The following is an entry in ClinVar:

ClinVar aggregate classification (germline): Uncertain significance (1 of 4 stars; one submission).

Conditions:
Brachyolmia-amelogenesis imperfecta syndrome. Also called: PLATYSPONDYLY WITH AMELOGENESIS IMPERFECTA; Tooth agenesis, selective, 6; Dental anomalies and short stature. Identifiers: Orphanet 2899, MedGen C1832594, MONDO:0011018, OMIM 601216. Disease mechanism: loss of function.

Submission:

Labcorp Genetics (formerly Invitae), Labcorp
Classification: Uncertain significance for Brachyolmia-amelogenesis imperfecta syndrome. Last evaluated: 2022-07-25. Review status: criteria provided, single submitter. Criteria: Invitae Variant Classification Sherloc (09022015). Collection method: clinical testing. Allele origin: germline.
Comment: Algorithms developed to predict the effect of missense changes on protein structure and function are either unavailable or do not agree on the potential impact of this missense change (SIFT: "Deleterious"; PolyPhen-2: "Possibly Damaging"; Align-GVGD: "Class C0"). In summary, the available evidence is currently insufficient to determine the role of this variant in disease. Therefore, it has been classified as a Variant of Uncertain Significance. This variant has not been reported in the literature in individuals affected with LTBP3-related conditions. This variant is not present in population databases (gnomAD no frequency). This sequence change replaces valine, which is neutral and non-polar, with aspartic acid, which is acidic and polar, at codon 1098 of the LTBP3 protein (p.Val1098Asp).

NM_001130144.3(LTBP3):c.3293T>A (p.Val1098Asp)

Gene: LTBP3 (latent transforming growth factor beta binding protein 3; minus strand). Cytogenetic location: 11q13.1.
Variant type: single nucleotide variant.
Coding change: c.3293T>A on transcript NM_001130144.3 (MANE Select); coding-DNA position 3293, T replaced by A.
Protein change: p.Val1098Asp; replaces valine 1098 with aspartic acid.
Molecular consequence: missense variant. On other transcripts: intron variant (2).
Genome position (GRCh38, 1-based): chr11:65,540,105, A>T on the plus strand (T>A on the coding strand, the complement: LTBP3 is on the minus strand). VCF-style: chr11-65540105-A-T. GRCh37 (hg19) VCF-style: chr11-65307576-A-T.
Other names: c.2893+140T>A (NM_001164266.1); c.3244+140T>A (NM_021070.4); short protein forms V1098D.
Identifiers: ClinVar variation 2006130 (VCV002006130.4), dbSNP rs1175295808, ClinGen allele CA381267206.
Genomic context (GRCh38, chr11:65,540,105, plus strand): 5'-CCGGAGGGCCCGGGCACCCAGGGCGGGCGACACTCGCAGCGGTAGGAGCCCGGCAGGTTG[A>T]CGCAGCGGCCAGGGCGGCAGGCTGCCGGGTCCTGGCACTCGTCCACGTCTACGAACAGCG-3'
Protein context (NP_001123616.1, residues 1088-1108): DPAACRPGRC[Val1098Asp]NLPGSYRCEC